The following is an entry in ClinVar:

NM_144668.6(CFAP251):c.1977C>A (p.Pro659=)

Gene: CFAP251 (cilia and flagella associated protein 251; plus strand). Cytogenetic location: 12q24.31.
Variant type: single nucleotide variant.
Coding change: c.1977C>A on transcript NM_144668.6 (MANE Select); coding-DNA position 1977, C replaced by A.
Protein change: p.Pro659=; no amino-acid change (proline 659 retained).
Molecular consequence: synonymous variant.
Genome position (GRCh38, 1-based): chr12:121,958,518, C>A. VCF-style: chr12-121958518-C-A. GRCh37 (hg19) VCF-style: chr12-122396424-C-A.
Other names: c.1977C>A, p.Pro659= (NM_001178003.2).
Identifiers: ClinVar variation 3057058 (VCV003057058.2), dbSNP rs73415652, ClinGen allele CA6840736.

ClinVar aggregate classification (germline): Benign (0 of 4 stars; one submission).

Conditions:
CFAP251-related disorder. Also called: CFAP251-related condition.

Allele frequency attached by ClinVar (database versions not stated): gnomAD 0.06036; ESP Exome Variant Server 0.06159; TOPMed 0.06779; 1000 Genomes Project 0.07428; 1000 Genomes Project 30x 0.08089.
gnomAD v4.1: 19,398 of 1,614,106 alleles (1.2%); highest among the groups gnomAD compares: African/African-American, 21%; 1,799 homozygotes.

Submission:

PreventionGenetics, part of Exact Sciences
Classification: Benign for CFAP251-related condition. Last evaluated: 2019-04-29. Review status: no assertion criteria provided. Collection method: clinical testing. Allele origin: germline.
Comment: This variant is classified as benign based on ACMG/AMP sequence variant interpretation guidelines (Richards et al. 2015 PMID: 25741868, with internal and published modifications).